The following is an entry in ClinVar:

NM_013266.4(CTNNA3):c.2431G>T (p.Ala811Ser)

Gene: CTNNA3 (catenin alpha 3; minus strand). Cytogenetic location: 10q21.3.
Variant type: single nucleotide variant.
Coding change: c.2431G>T on transcript NM_013266.4 (MANE Select); coding-DNA position 2431, G replaced by T.
Protein change: p.Ala811Ser; replaces alanine 811 with serine.
Molecular consequence: missense variant.
Genome position (GRCh38, 1-based): chr10:65,920,587, C>A on the plus strand (G>T on the coding strand, the complement: CTNNA3 is on the minus strand). VCF-style: chr10-65920587-C-A. GRCh37 (hg19) VCF-style: chr10-67680345-C-A.
Other names: c.2431G>T, p.Ala811Ser (NM_001127384.3); short protein forms A811S.
Identifiers: ClinVar variation 3270120 (VCV003270120.1).

ClinVar aggregate classification (germline): Uncertain significance (1 of 4 stars; one submission).

gnomAD v4.1: 7 of 1,614,048 alleles (0.00043%); highest among the groups gnomAD compares: Non-Finnish European, 0.00059%; no homozygotes.

Submission:

Ambry Genetics
Classification: Uncertain significance. Last evaluated: 2024-04-21. Review status: criteria provided, single submitter. Criteria: Ambry Variant Classification Scheme 2023. Collection method: clinical testing. Allele origin: germline.
Comment: The p.A811S variant (also known as c.2431G>T), located in coding exon 17 of the CTNNA3 gene, results from a G to T substitution at nucleotide position 2431. The alanine at codon 811 is replaced by serine, an amino acid with similar properties. This amino acid position is conserved. In addition, the in silico prediction for this alteration is inconclusive. Based on the available evidence, the clinical significance of this variant remains unclear.